The following is an entry in ClinVar:

NM_001130965.3(SUN1):c.227G>T (p.Gly76Val)

Gene: SUN1 (Sad1 and UNC84 domain containing 1; plus strand). Cytogenetic location: 7p22.3.
Variant type: single nucleotide variant.
Coding change: c.227G>T on transcript NM_001130965.3 (MANE Select); coding-DNA position 227, G replaced by T.
Protein change: p.Gly76Val; replaces glycine 76 with valine.
Molecular consequence: missense variant. On other transcripts: 5 prime UTR variant (2), non-coding transcript variant (3), intron variant (2).
Genome position (GRCh38, 1-based): chr7:838,947, G>T. VCF-style: chr7-838947-G-T. GRCh37 (hg19) VCF-style: chr7-878584-G-T.
Other names: c.77G>T, p.Gly26Val (NM_001367673.1, NM_001367679.1, NM_001367680.1 and 24 more transcripts); c.227G>T, p.Gly76Val (NM_001367674.1, NM_001367675.1, NM_001367676.1 and 34 more transcripts); c.290G>T, p.Gly97Val (NM_001171945.2); c.-231G>T (NM_001367635.1); c.446G>T, p.Gly149Val (NM_001367651.1); c.-535G>T (NM_001367658.1); c.78-2999G>T (NM_001367695.1); c.-301-2999G>T (NM_001367639.1); short protein forms G26V, G149V, G76V, G97V.
Identifiers: ClinVar variation 4711011 (VCV004711011.1).
Genomic context (GRCh38, chr7:838,947, plus strand): 5'-TGCGCCTGGCCACGACAGCATGCACCCTGGGGGATGGTGAGGCTGTGGGTGCCGACAGCG[G>T]CACCAGCAGCGCTGTCTCCCTGAAGAACCGAGCGGCCAGGTGAGCACCGCTGCACTTCCT-3'
Protein context (NP_001124437.1, residues 66-86): GDGEAVGADS[Gly76Val]TSSAVSLKNR

ClinVar aggregate classification (germline): Uncertain significance (1 of 4 stars; one submission).

Conditions:
Emery-Dreifuss muscular dystrophy (EDMD). Also called: Scapuloperoneal syndrome, X-linked (formerly); Humeroperoneal neuromuscular disease, (formerly). Identifiers: Orphanet 261, MedGen C0410189, MONDO:0016830.

gnomAD v4.1: 1 of 1,607,314 alleles (0.000062%); highest among the groups gnomAD compares: Admixed American, 0.0017%; no homozygotes.

Submission:

Labcorp Genetics (formerly Invitae), Labcorp
Classification: Uncertain significance for Emery-Dreifuss muscular dystrophy. Last evaluated: 2025-03-05. Review status: criteria provided, single submitter. Criteria: Invitae Variant Classification Sherloc (09022015). Collection method: clinical testing. Allele origin: germline.
Comment: This sequence change replaces glycine, which is neutral and non-polar, with valine, which is neutral and non-polar, at codon 76 of the SUN1 protein (p.Gly76Val). This variant is not present in population databases (gnomAD no frequency). This variant has not been reported in the literature in individuals affected with SUN1-related conditions. An algorithm developed to predict the effect of missense changes on protein structure and function (PolyPhen-2) suggests that this variant is likely to be tolerated. In summary, the available evidence is currently insufficient to determine the role of this variant in disease. Therefore, it has been classified as a Variant of Uncertain Significance.